The following is an entry in ClinVar:

NM_005422.4(TECTA):c.4738A>C (p.Lys1580Gln)

Genes: TBCEL-TECTA (TBCEL-TECTA readthrough; plus strand), TECTA (tectorin alpha; plus strand). Cytogenetic location: 11q23.3.
Variant type: single nucleotide variant.
Coding change: c.4738A>C on transcript NM_005422.4 (MANE Select); coding-DNA position 4738, A replaced by C.
Protein change: p.Lys1580Gln; replaces lysine 1580 with glutamine.
Molecular consequence: missense variant.
Genome position (GRCh38, 1-based): chr11:121,160,183, A>C. VCF-style: chr11-121160183-A-C. GRCh37 (hg19) VCF-style: chr11-121030892-A-C.
Other names: c.5695A>C, p.Lys1899Gln (NM_001378761.1); short protein forms K1580Q, K1899Q.
Identifiers: ClinVar variation 1049584 (VCV001049584.1), dbSNP rs2135122980, ClinGen allele CA383028335.

ClinVar aggregate classification (germline): Uncertain significance (0 of 4 stars; one submission).

Allele frequency attached by ClinVar (database versions not stated): gnomAD exomes 0.00001.
gnomAD v4.1: 9 of 1,614,262 alleles (0.00056%); highest among the groups gnomAD compares: Non-Finnish European, 0.00076%; no homozygotes.

Submission:

Department of Pathology and Laboratory Medicine, Sinai Health System
Classification: Uncertain significance. Review status: no assertion criteria provided. Collection method: clinical testing. Allele origin: unknown. Affected: yes. Study: The Canadian Open Genetics Repository (COGR).
Comment: The TECTA p.Lys1580Gln variant was not identified in the literature nor was it identified in dbSNP, ClinVar, LOVD 3.0 or in the following control databases: the 1000 Genomes Project, the NHLBI GO Exome Sequencing Project, the Exome Aggregation Consortium (August 8th 2016), or the Genome Aggregation Database (Feb 27, 2017). The p.Lys1580 residue is conserved in mammals and computational analyses (PolyPhen-2, SIFT, AlignGVGD, BLOSUM, MutationTaster) provide inconsistent predictions regarding the impact to the protein; this information is not very predictive of pathogenicity. The variant occurs outside of the splicing consensus sequence and in silico or computational prediction software programs (SpliceSiteFinder, MaxEntScan, NNSPLICE, GeneSplicer) do not predict a difference in splicing. In summary, based on the above information the clinical significance of this variant cannot be determined with certainty at this time. This variant is classified as a variant of uncertain significance.